The following is an entry in ClinVar:

NM_001277115.2(DNAH11):c.1247C>A (p.Ser416Ter)

Gene: DNAH11 (dynein axonemal heavy chain 11; plus strand). Cytogenetic location: 7p15.3.
Variant type: single nucleotide variant.
Coding change: c.1247C>A on transcript NM_001277115.2 (MANE Select); coding-DNA position 1247, C replaced by A.
Protein change: p.Ser416Ter; replaces serine 416 with a stop codon.
Molecular consequence: nonsense.
Genome position (GRCh38, 1-based): chr7:21,570,121, C>A. VCF-style: chr7-21570121-C-A. GRCh37 (hg19) VCF-style: chr7-21609739-C-A.
Other names: NM_001277115.2(DNAH11):c.1247C>A; p.Ser416Ter; c.1247C>A, p.Ser416Ter (NM_003777.3); short protein forms S416*.
Identifiers: ClinVar variation 1759768 (VCV001759768.3), dbSNP rs1783826754, ClinGen allele CA366934553.

ClinVar aggregate classification (germline): Pathogenic/Likely pathogenic. Review status: criteria provided, multiple submitters, no conflicts (2 of 4 stars). 2 submissions from 2 submitters: Pathogenic (1); Likely pathogenic (1). Last evaluated 2025-02-10.

Conditions:
Primary ciliary dyskinesia. Also called: Ciliary dyskinesia. Identifiers: Orphanet 244, MedGen C0008780, MONDO:0016575, HP:0012265.
Primary ciliary dyskinesia 7. Also called: CILIARY DYSKINESIA, PRIMARY, 7, WITH OR WITHOUT SITUS INVERSUS. Identifiers: Orphanet 244, MedGen C2678473, MONDO:0012748, OMIM 611884.

Allele frequency attached by ClinVar (database versions not stated): TOPMed below 0.00001; gnomAD exomes 0.00001.
gnomAD v4.1: 16 of 1,612,842 alleles (0.00099%); highest among the groups gnomAD compares: Non-Finnish European, 0.0014%; no homozygotes.

Submissions (2):

Broad Center for Mendelian Genomics, Broad Institute of MIT and Harvard
Classification: Likely pathogenic for Primary ciliary dyskinesia 7. Last evaluated: 2025-02-10. Review status: criteria provided, single submitter. Criteria: ACMG Guidelines, 2015. Collection method: curation. Allele origin: germline. Inheritance: Autosomal recessive inheritance.
Comment: The p.Ser416Ter variant in DNAH11 has not been previously reported in the literature in individuals with primary ciliary dyskinesia, but has been identified in 0.001% (16/1179448) of European (non-Finnish) chromosomes by the Genome Aggregation Database (gnomAD; dbSNP rs1783826754). Although this variant has been seen in the general population in a heterozygous state, its frequency is low enough to be consistent with a recessive carrier frequency. This variant has also been reported in ClinVar (Variation ID: 1759768) and has been interpreted as pathogenic by Ambry Genetics. This nonsense variant leads to a premature termination codon at position 416, which is predicted to lead to a truncated or absent protein. Loss of function of the DNAH11 gene is an established disease mechanism in autosomal recessive primary ciliary dyskinesia. In summary, although additional studies are required to fully establish its clinical significance, this variant is likely pathogenic for autosomal recessive primary ciliary dyskinesia. ACMG/AMP Criteria applied: PVS1, PM2_supporting (Richards 2015).

Ambry Genetics
Classification: Pathogenic for Primary ciliary dyskinesia. Last evaluated: 2022-08-04. Review status: criteria provided, single submitter. Criteria: Ambry Variant Classification Scheme 2023. Collection method: clinical testing. Allele origin: germline.
Comment: The p.S416* pathogenic mutation (also known as c.1247C>A), located in coding exon 7 of the DNAH11 gene, results from a C to A substitution at nucleotide position 1247. This changes the amino acid from a serine to a stop codon within coding exon 7. This variant is considered to be rare based on population cohorts in the Genome Aggregation Database (gnomAD). This alteration is expected to result in loss of function by premature protein truncation or nonsense-mediated mRNA decay. As such, this alteration is interpreted as a disease-causing mutation.